The following is an entry in ClinVar:

NM_003331.5(TYK2):c.*146T>A

Gene: TYK2 (tyrosine kinase 2; minus strand). Cytogenetic location: 19p13.2.
Variant type: single nucleotide variant.
Coding change: c.*146T>A on transcript NM_003331.5 (MANE Select); 146 bases downstream of the stop codon, T replaced by A.
Molecular consequence: 3 prime UTR variant.
Genome position (GRCh38, 1-based): chr19:10,350,688, A>T on the plus strand (T>A on the coding strand, the complement: TYK2 is on the minus strand). VCF-style: chr19-10350688-A-T. GRCh37 (hg19) VCF-style: chr19-10461364-A-T.
Identifiers: ClinVar variation 889486 (VCV000889486.5), dbSNP rs145861532, ClinGen allele CA305190935.

ClinVar aggregate classification (germline): Benign. Review status: criteria provided, multiple submitters, no conflicts (2 of 4 stars). 2 submissions from 2 submitters: Benign (2). Last evaluated 2018-01-13.

Conditions:
Immunodeficiency 35 (IMD35). Also called: HIES WITH ATYPICAL MYCOBACTERIOSIS, AUTOSOMAL RECESSIVE; HYPER-IgE SYNDROME WITH ATYPICAL MYCOBACTERIOSIS, AUTOSOMAL RECESSIVE; TYK2 DEFICIENCY; Susceptibility to infection due to TYK2 deficiency. Identifiers: Orphanet 331226, MedGen C1969086, MONDO:0012682, OMIM 611521.

Allele frequency attached by ClinVar (database versions not stated): gnomAD exomes 0.00242; gnomAD 0.00267 and 0.00289; TOPMed 0.00527; 1000 Genomes Project 30x 0.00578; 1000 Genomes Project 0.00659.
gnomAD v4.1: 2,294 of 929,102 alleles (0.25%); highest among the groups gnomAD compares: East Asian, 3%; 37 homozygotes.

Submissions (2):

Illumina Laboratory Services, Illumina
Classification: Benign for Immunodeficiency 35. Last evaluated: 2018-01-13. Review status: criteria provided, single submitter. Criteria: ICSL Variant Classification Criteria 13 December 2019. Collection method: clinical testing. Allele origin: germline.
Comment: This variant was observed in the ICSL laboratory as part of a predisposition screen in an ostensibly healthy population. It had not been previously curated by ICSL or reported in the Human Gene Mutation Database (HGMD: prior to June 1st, 2018), and was therefore a candidate for classification through an automated scoring system. Utilizing variant allele frequency, disease prevalence and penetrance estimates, and inheritance mode, an automated score was calculated to assess if this variant is too frequent to cause the disease. Based on the score and internal cut-off values, a variant classified as benign is not then subjected to further curation. The score for this variant resulted in a classification of benign for this disease.

Breakthrough Genomics
Classification: Benign. Review status: criteria provided, single submitter. Criteria: ACMG Guidelines, 2015. Collection method: not provided. Allele origin: germline. Inheritance: Autosomal recessive inheritance. Affected: yes.